The following is an entry in ClinVar:

ClinVar aggregate classification (germline): Pathogenic/Likely pathogenic. Review status: criteria provided, multiple submitters, no conflicts (2 of 4 stars). 6 submissions from 6 submitters: Pathogenic (2); Likely pathogenic (4). Last evaluated 2025-08-18.

Conditions:
RPGRIP1L-related disorder. Also called: RPGRIP1L-related disorders; RPGRIP1L-related condition. Identifiers: MedGen CN239416.
Joubert syndrome and related disorders. Identifiers: Orphanet 140874, MedGen C5679612, MONDO:0015369.
Joubert syndrome 7 (JBTS7). Identifiers: Orphanet 220497, MedGen C1969053, MONDO:0012694, OMIM 611560.
Meckel syndrome, type 5 (MKS5). Identifiers: Orphanet 564, MedGen C1969052, MONDO:0012695, OMIM 611561.
COACH syndrome 3. Identifiers: MedGen C5436841, MONDO:0030862, OMIM 619113.
Joubert syndrome. Also called: JOUBERT-BOLTSHAUSER SYNDROME; Familial aplasia of the vermis. Identifiers: Orphanet 475, MedGen C5979921, MONDO:0018772.
Meckel-Gruber syndrome. Also called: DYSENCEPHALIA SPLANCHNOCYSTICA; GRUBER SYNDROME; Dysencephalia splachnocystica. Identifiers: Orphanet 564, MedGen C0265215, MONDO:0018921.

Allele frequency attached by ClinVar (database versions not stated): gnomAD 0.00001; gnomAD exomes 0.00001 and 0.00002; TOPMed 0.00001; ExAC 0.00002.
gnomAD v4.1: 16 of 1,612,670 alleles (0.00099%); highest among the groups gnomAD compares: Admixed American, 0.0084%; no homozygotes.

Submissions (6):

Natera, Inc.
Classification: Likely pathogenic for Joubert syndrome. Last evaluated: 2025-08-18. Review status: criteria provided, single submitter. Criteria: Natera Variant Classification Schema (03/2026). Collection method: clinical testing. Allele origin: germline.
Comment: The c.1804C>T variant in RPGRIP1L is a nonsense variant predicted to introduce a stop codon at amino acid 602. This variant is expected to result in nonsense mediated decay, truncation, or a dysfunctional protein product. This variant is rare in the general population with a frequency below the threshold expected for the associated phenotype(s). Given the available evidence, this variant is classified as Likely Pathogenic.

Women's Health and Genetics/Laboratory Corporation of America, LabCorp
Classification: Pathogenic for Joubert syndrome and related disorders. Last evaluated: 2024-11-13. Review status: criteria provided, single submitter. Criteria: LabCorp Variant Classification Summary - May 2015. Collection method: clinical testing. Allele origin: germline.
Comment: Variant summary: RPGRIP1L c.1804C>T (p.Arg602X) results in a premature termination codon, predicted to cause a truncation of the encoded protein or absence of the protein due to nonsense mediated decay, which are commonly known mechanisms for disease. The variant allele was found at a frequency of 2e-05 in 250176 control chromosomes. To our knowledge, no occurrence of c.1804C>T in individuals affected with Joubert Syndrome And Related Disorders and no experimental evidence demonstrating its impact on protein function have been reported. ClinVar contains an entry for this variant (Variation ID: 931963). Based on the evidence outlined above, the variant was classified as pathogenic.

Fulgent Genetics
Classification: Likely pathogenic for Joubert syndrome 7; Meckel syndrome, type 5; COACH syndrome 3. Last evaluated: 2024-04-23. Review status: criteria provided, single submitter. Criteria: ACMG Guidelines, 2015. Collection method: clinical testing. Allele origin: germline.

Labcorp Genetics (formerly Invitae), Labcorp
Classification: Pathogenic for Joubert syndrome; Meckel-Gruber syndrome. Last evaluated: 2024-02-20. Review status: criteria provided, single submitter. Criteria: Invitae Variant Classification Sherloc (09022015). Collection method: clinical testing. Allele origin: germline.
Comment: This sequence change creates a premature translational stop signal (p.Arg602*) in the RPGRIP1L gene. It is expected to result in an absent or disrupted protein product. Loss-of-function variants in RPGRIP1L are known to be pathogenic (PMID: 17558409). This variant is present in population databases (rs745413543, gnomAD 0.006%). This variant has not been reported in the literature in individuals affected with RPGRIP1L-related conditions. ClinVar contains an entry for this variant (Variation ID: 931963). For these reasons, this variant has been classified as Pathogenic.

Blueprint Genetics
Classification: Likely pathogenic for RPGRIP1L-related disorders. Last evaluated: 2022-09-01. Review status: criteria provided, single submitter. Criteria: ACMG Guidelines, 2015. Collection method: clinical testing. Allele origin: germline. Affected: yes. Observed: 4 variant alleles.

Centre for Mendelian Genomics, University Medical Centre Ljubljana
Classification: Likely pathogenic for Joubert syndrome 7. Last evaluated: 2016-01-01. Review status: criteria provided, single submitter. Criteria: ACMG Guidelines, 2015. Collection method: clinical testing. Allele origin: unknown. Affected: yes.
Comment: This variant was classified as: Likely pathogenic. The following ACMG criteria were applied in classifying this variant: PVS1,PM2.

Literature cited by the submitters: PubMed 17558409 (cited by Labcorp Genetics (formerly Invitae), Labcorp).

NM_015272.5(RPGRIP1L):c.1804C>T (p.Arg602Ter)

Gene: RPGRIP1L (RPGRIP1 like; minus strand). Cytogenetic location: 16q12.2.
Variant type: single nucleotide variant.
Coding change: c.1804C>T on transcript NM_015272.5 (MANE Select); coding-DNA position 1804, C replaced by T.
Protein change: p.Arg602Ter; replaces arginine 602 with a stop codon.
Molecular consequence: nonsense.
Genome position (GRCh38, 1-based): chr16:53,652,883, G>A on the plus strand (C>T on the coding strand, the complement: RPGRIP1L is on the minus strand). VCF-style: chr16-53652883-G-A. GRCh37 (hg19) VCF-style: chr16-53686795-G-A.
Other names: c.1804C>T, p.Arg602Ter (NM_001127897.4, NM_001308334.3, NM_001330538.2); short protein forms R602*.
Identifiers: ClinVar variation 931963 (VCV000931963.20), dbSNP rs745413543, ClinGen allele CA8057699.
Genomic context (GRCh38, chr16:53,652,883, plus strand): 5'-GTAAAACTTCAGAAGAAAAGGTTACTTTGTTGATATGGATTTCAAATAGATTTTCGCCTC[G>A]TTCTAAGTGGATGGTTTCATCAAATTCATCAACAGAGTCATCTGGCATGATTTCTGGTTT-3'